The following is an entry in ClinVar:

NM_003227.4(TFR2):c.1205dup (p.Asn402fs)

Gene: TFR2 (transferrin receptor 2; minus strand). Cytogenetic location: 7q22.1.
Variant type: Duplication.
Coding change: c.1205dup on transcript NM_003227.4 (MANE Select); coding-DNA position 1205, one base duplicated (A; older notation c.1205dupA).
Protein change: p.Asn402fs; shifts the reading frame from asparagine 402.
Molecular consequence: frameshift variant.
Genome position (GRCh38, 1-based): chr7:100,630,954, T duplicated on the plus strand (A on the coding strand, the reverse complement: TFR2 is on the minus strand); the first of 2 consecutive T bases (chr7:100,630,954-100,630,955); duplicating either gives the same sequence. VCF-style (leftmost placement, unchanged base first): chr7-100630953-G-GT. GRCh37 (hg19) VCF-style: chr7-100228576-G-GT.
Other names: c.692dup, p.Asn231fs (NM_001206855.3); short protein forms N231fs, N402fs.
Identifiers: ClinVar variation 3638670 (VCV003638670.2).

ClinVar aggregate classification (germline): Pathogenic (1 of 4 stars; one submission).

Conditions:
Hereditary hemochromatosis (HFE). Identifiers: MedGen C0392514, MONDO:0006507. Disease mechanism: loss of function.

Submission:

Labcorp Genetics (formerly Invitae), Labcorp
Classification: Pathogenic for Hereditary hemochromatosis. Last evaluated: 2024-02-03. Review status: criteria provided, single submitter. Criteria: Invitae Variant Classification Sherloc (09022015). Collection method: clinical testing. Allele origin: germline.
Comment: This sequence change creates a premature translational stop signal (p.Asn402Lysfs*41) in the TFR2 gene. It is expected to result in an absent or disrupted protein product. Loss-of-function variants in TFR2 are known to be pathogenic (PMID: 23600741, 26029709). This variant is not present in population databases (gnomAD no frequency). This variant has not been reported in the literature in individuals affected with TFR2-related conditions. For these reasons, this variant has been classified as Pathogenic.

Literature cited by the submitters: PubMed 23600741; PubMed 26029709.